The following is an entry in ClinVar:

NM_021072.4(HCN1):c.1783+4C>G

Gene: HCN1 (hyperpolarization activated cyclic nucleotide gated potassium channel 1; minus strand). Cytogenetic location: 5p12.
Variant type: single nucleotide variant.
Coding change: c.1783+4C>G on transcript NM_021072.4 (MANE Select); 4 bases into the intron after coding-DNA position 1783, C replaced by G.
Molecular consequence: intron variant.
Genome position (GRCh38, 1-based): chr5:45,267,085, G>C on the plus strand (C>G on the coding strand, the complement: HCN1 is on the minus strand). VCF-style: chr5-45267085-G-C. GRCh37 (hg19) VCF-style: chr5-45267187-G-C.
Identifiers: ClinVar variation 461364 (VCV000461364.9), dbSNP rs188586020, ClinGen allele CA559801633.

ClinVar aggregate classification (germline): Uncertain significance (1 of 4 stars; one submission).

Conditions:
Early-infantile DEE. Also called: Early infantile epileptic encephalopathy; Ohtahara syndrome; Early infantile epileptic encephalopathy with suppression bursts. Identifiers: Orphanet 1934, MedGen C0393706, MONDO:0800491.

gnomAD v4.1: 1 of 1,606,664 alleles (0.000062%); highest among the groups gnomAD compares: Admixed American, 0.0017%; no homozygotes.

Submission:

Labcorp Genetics (formerly Invitae), Labcorp
Classification: Uncertain significance for Early-infantile DEE. Last evaluated: 2024-01-02. Review status: criteria provided, single submitter. Criteria: Invitae Variant Classification Sherloc (09022015). Collection method: clinical testing. Allele origin: germline.
Comment: This sequence change falls in intron 7 of the HCN1 gene. It does not directly change the encoded amino acid sequence of the HCN1 protein. It affects a nucleotide within the consensus splice site. This variant is present in population databases (no rsID available, gnomAD 0.003%). This variant has not been reported in the literature in individuals affected with HCN1-related conditions. ClinVar contains an entry for this variant (Variation ID: 461364). Variants that disrupt the consensus splice site are a relatively common cause of aberrant splicing (PMID: 17576681, 9536098). Algorithms developed to predict the effect of sequence changes on RNA splicing suggest that this variant is not likely to affect RNA splicing. In summary, the available evidence is currently insufficient to determine the role of this variant in disease. Therefore, it has been classified as a Variant of Uncertain Significance.

Literature cited by the submitters: PubMed 17576681; PubMed 9536098.